The following is an entry in ClinVar:

ClinVar aggregate classification (germline): Uncertain significance (1 of 4 stars; one submission).

Submission:

Labcorp Genetics (formerly Invitae), Labcorp
Classification: Uncertain significance. Last evaluated: 2021-10-31. Review status: criteria provided, single submitter. Criteria: Invitae Variant Classification Sherloc (09022015). Collection method: clinical testing. Allele origin: germline.
Comment: In summary, the available evidence is currently insufficient to determine the role of this variant in disease. Therefore, it has been classified as a Variant of Uncertain Significance. This variant has not been reported in the literature in individuals affected with HS6ST1-related conditions. This variant results in a copy number gain of the genomic region encompassing exon(s) 2 of the HS6ST1 gene. This region includes the termination codon of the gene. This copy number gain extends beyond the assayed region for this gene and therefore may encompass additional genes. As the precise location of this event is unknown, it may be in tandem or it may be located elsewhere in the genome.

NC_000002.11:g.(?_129025736)_(129026464_?)dup

Gene: HS6ST1 (heparan sulfate 6-O-sulfotransferase 1; minus strand). Cytogenetic location: 2q14.3.
Variant type: Duplication.
Identifiers: ClinVar variation 2425230 (VCV002425230.4).